The following is an entry in ClinVar:

ClinVar aggregate classification (germline): Uncertain significance (1 of 4 stars; one submission).

Allele frequency attached by ClinVar (database versions not stated): TOPMed 0.00002; gnomAD 0.00001; gnomAD exomes 0.00001.

Submission:

Labcorp Genetics (formerly Invitae), Labcorp
Classification: Uncertain significance. Last evaluated: 2025-02-24. Review status: criteria provided, single submitter. Criteria: Invitae Variant Classification Sherloc (09022015). Collection method: clinical testing. Allele origin: germline.
Comment: This sequence change replaces lysine, which is basic and polar, with isoleucine, which is neutral and non-polar, at codon 75 of the MRPS7 protein (p.Lys75Ile). This variant is present in population databases (no rsID available, gnomAD 0.006%). This variant has not been reported in the literature in individuals affected with MRPS7-related conditions. ClinVar contains an entry for this variant (Variation ID: 1952438). Invitae Evidence Modeling of protein sequence and biophysical properties (such as structural, functional, and spatial information, amino acid conservation, physicochemical variation, residue mobility, and thermodynamic stability) has been performed for this missense variant. However, the output from this modeling did not meet the statistical confidence thresholds required to predict the impact of this variant on MRPS7 protein function. In summary, the available evidence is currently insufficient to determine the role of this variant in disease. Therefore, it has been classified as a Variant of Uncertain Significance.

NM_015971.4(MRPS7):c.224A>T (p.Lys75Ile)

Gene: MRPS7 (mitochondrial ribosomal protein S7; plus strand). Cytogenetic location: 17q25.1.
Variant type: single nucleotide variant.
Coding change: c.224A>T on transcript NM_015971.4 (MANE Select); coding-DNA position 224, A replaced by T.
Protein change: p.Lys75Ile; replaces lysine 75 with isoleucine.
Molecular consequence: missense variant.
Genome position (GRCh38, 1-based): chr17:75,262,637, A>T. VCF-style: chr17-75262637-A-T. GRCh37 (hg19) VCF-style: chr17-73258718-A-T.
Other names: short protein forms K75I.
Identifiers: ClinVar variation 1952438 (VCV001952438.5), dbSNP rs1368837022, ClinGen allele CA401006656.